The following is an entry in ClinVar:

NM_018941.4(CLN8):c.523G>A (p.Val175Ile)

Gene: CLN8 (CLN8 transmembrane ER and ERGIC protein; plus strand). Cytogenetic location: 8p23.3.
Variant type: single nucleotide variant.
Coding change: c.523G>A on transcript NM_018941.4 (MANE Select); coding-DNA position 523, G replaced by A.
Protein change: p.Val175Ile; replaces valine 175 with isoleucine.
Molecular consequence: missense variant.
Genome position (GRCh38, 1-based): chr8:1,771,577, G>A. VCF-style: chr8-1771577-G-A. GRCh37 (hg19) VCF-style: chr8-1719743-G-A.
Other names: short protein forms V175I.
Identifiers: ClinVar variation 848463 (VCV000848463.9), dbSNP rs768139689, ClinGen allele CA4599280.

ClinVar aggregate classification (germline): Conflicting classifications of pathogenicity. Review status: criteria provided, conflicting classifications (1 of 4 stars). 3 submissions from 3 submitters: Uncertain significance (1); Likely benign (1). 1 of the submissions does not count toward it. Last evaluated 2025-04-26.

Conditions:
Neuronal ceroid lipofuscinosis. Also called: Neuronal Ceroid Lipofuscinoses. Identifiers: Orphanet 216, Orphanet 79263, MedGen C0027877, MONDO:0016295. Disease mechanism: loss of function.
Neuronal ceroid lipofuscinosis 8 (CLN8). Also called: CLN8-Related Neuronal Ceroid-Lipofuscinosis. Identifiers: Orphanet 168491, Orphanet 228354, Orphanet 79264, MedGen C1838570, MONDO:0010830, OMIM 600143.

Allele frequency attached by ClinVar (database versions not stated): gnomAD 0.00004 and 0.00005; gnomAD exomes 0.00007 and 0.00008; ExAC 0.00009.
gnomAD v4.1: 112 of 1,613,802 alleles (0.0069%); highest among the groups gnomAD compares: South Asian, 0.057%; no homozygotes.

Submissions (3):

Labcorp Genetics (formerly Invitae), Labcorp
Classification: Likely benign for Neuronal ceroid lipofuscinosis. Last evaluated: 2025-04-26. Review status: criteria provided, single submitter. Criteria: Invitae Variant Classification Sherloc (09022015). Collection method: clinical testing. Allele origin: germline.

GeneDx
Classification: Uncertain significance. Last evaluated: 2024-03-12. Review status: criteria provided, single submitter. Criteria: GeneDx Variant Classification Process June 2021. Collection method: clinical testing. Allele origin: germline. Affected: yes.
Comment: In silico analysis supports that this missense variant does not alter protein structure/function; This variant is associated with the following publications: (PMID: 35982160, 35982159)

Natera, Inc.
Classification: Uncertain significance for Neuronal ceroid lipofuscinosis 8. Last evaluated: 2021-03-10. Review status: no assertion criteria provided. Collection method: clinical testing. Allele origin: germline. Not counted in ClinVar's aggregate classification.